The following is an entry in ClinVar:

ClinVar aggregate classification (germline): Uncertain significance (1 of 4 stars; one submission).

Conditions:
Inborn genetic diseases. Identifiers: MedGen C0950123, MeSH D030342.

Submission:

Ambry Genetics
Classification: Uncertain significance for Inborn genetic diseases. Last evaluated: 2025-01-30. Review status: criteria provided, single submitter. Criteria: Ambry Variant Classification Scheme 2023. Collection method: clinical testing. Allele origin: germline.
Comment: The p.A136S variant (also known as c.406G>T), located in coding exon 3 of the SBDS gene, results from a G to T substitution at nucleotide position 406. The alanine at codon 136 is replaced by serine, an amino acid with similar properties. This amino acid position is conserved. In addition, the in silico prediction for this alteration is inconclusive. Based on the available evidence, the clinical significance of this variant remains unclear.

NM_016038.4(SBDS):c.406G>T (p.Ala136Ser)

Gene: SBDS (SBDS ribosome maturation factor; minus strand). Cytogenetic location: 7q11.21.
Variant type: single nucleotide variant.
Coding change: c.406G>T on transcript NM_016038.4 (MANE Select); coding-DNA position 406, G replaced by T.
Protein change: p.Ala136Ser; replaces alanine 136 with serine.
Molecular consequence: missense variant.
Genome position (GRCh38, 1-based): chr7:66,993,270, C>A on the plus strand (G>T on the coding strand, the complement: SBDS is on the minus strand). VCF-style: chr7-66993270-C-A. GRCh37 (hg19) VCF-style: chr7-66458257-C-A.
Other names: short protein forms A136S.
Identifiers: ClinVar variation 3792727 (VCV003792727.1).